The following is an entry in ClinVar:

ClinVar aggregate classification (germline): Uncertain significance (1 of 4 stars; one submission).

gnomAD v4.1: 4 of 1,614,132 alleles (0.00025%); highest among the groups gnomAD compares: Non-Finnish European, 0.00034%; no homozygotes.

Submission:

Labcorp Genetics (formerly Invitae), Labcorp
Classification: Uncertain significance. Last evaluated: 2021-12-22. Review status: criteria provided, single submitter. Criteria: Invitae Variant Classification Sherloc (09022015). Collection method: clinical testing. Allele origin: germline.
Comment: Algorithms developed to predict the effect of missense changes on protein structure and function (SIFT, PolyPhen-2, Align-GVGD) all suggest that this variant is likely to be disruptive. In summary, the available evidence is currently insufficient to determine the role of this variant in disease. Therefore, it has been classified as a Variant of Uncertain Significance. This variant has not been reported in the literature in individuals affected with CNGA1-related conditions. The frequency data for this variant in the population databases is considered unreliable, as metrics indicate poor data quality at this position in the gnomAD database. This sequence change replaces serine, which is neutral and polar, with isoleucine, which is neutral and non-polar, at codon 567 of the CNGA1 protein (p.Ser567Ile).

NM_001379270.1(CNGA1):c.1688G>T (p.Ser563Ile)

Genes: CNGA1 (cyclic nucleotide gated channel subunit alpha 1; minus strand), LOC101927157 (uncharacterized LOC101927157; plus strand). Cytogenetic location: 4p12.
Variant type: single nucleotide variant.
Coding change: c.1688G>T on transcript NM_001379270.1 (MANE Select); coding-DNA position 1688, G replaced by T.
Protein change: p.Ser563Ile; replaces serine 563 with isoleucine.
Molecular consequence: missense variant.
Genome position (GRCh38, 1-based): chr4:47,936,794, C>A on the plus strand (G>T on the coding strand, the complement: CNGA1 is on the minus strand). VCF-style: chr4-47936794-C-A. GRCh37 (hg19) VCF-style: chr4-47938811-C-A.
Other names: c.1688G>T, p.Ser563Ile (NM_000087.5, NM_001142564.2); short protein forms S563I.
Identifiers: ClinVar variation 2053357 (VCV002053357.4), dbSNP rs1208196079, ClinGen allele CA356824406.